The following is an entry in ClinVar:

ClinVar aggregate classification (germline): Uncertain significance. Review status: criteria provided, multiple submitters, no conflicts (2 of 4 stars). 2 submissions from 2 submitters: Uncertain significance (2). Last evaluated 2024-04-22.

Conditions:
Hereditary cancer-predisposing syndrome. Also called: Tumor predisposition; Hereditary neoplastic syndrome; Neoplastic Syndromes, Hereditary; Hereditary Cancer Syndrome. Identifiers: Orphanet 140162, MedGen C0027672, MeSH D009386, MONDO:0015356.

Submissions (2):

Labcorp Genetics (formerly Invitae), Labcorp
Classification: Uncertain significance. Last evaluated: 2024-04-22. Review status: criteria provided, single submitter. Criteria: Invitae Variant Classification Sherloc (09022015). Collection method: clinical testing. Allele origin: germline.
Comment: This sequence change replaces glutamic acid, which is acidic and polar, with alanine, which is neutral and non-polar, at codon 545 of the POLE protein (p.Glu545Ala). This variant is not present in population databases (gnomAD no frequency). This variant has not been reported in the literature in individuals affected with POLE-related conditions. ClinVar contains an entry for this variant (Variation ID: 1499114). Advanced modeling of protein sequence and biophysical properties (such as structural, functional, and spatial information, amino acid conservation, physicochemical variation, residue mobility, and thermodynamic stability) performed at Invitae indicates that this missense variant is expected to disrupt POLE protein function with a positive predictive value of 80%. In summary, the available evidence is currently insufficient to determine the role of this variant in disease. Therefore, it has been classified as a Variant of Uncertain Significance.

Ambry Genetics
Classification: Uncertain significance for Hereditary cancer-predisposing syndrome. Last evaluated: 2022-09-26. Review status: criteria provided, single submitter. Criteria: Ambry Variant Classification Scheme 2023. Collection method: clinical testing. Allele origin: germline.
Comment: The p.E545A variant (also known as c.1634A>C), located in coding exon 15 of the POLE gene, results from an A to C substitution at nucleotide position 1634. The glutamic acid at codon 545 is replaced by alanine, an amino acid with dissimilar properties. This amino acid position is conserved. In addition, this alteration is predicted to be deleterious by in silico analysis. Since supporting evidence is limited at this time, the clinical significance of this alteration remains unclear.

NM_006231.4(POLE):c.1634A>C (p.Glu545Ala)

Gene: POLE (DNA polymerase epsilon, catalytic subunit; minus strand). Cytogenetic location: 12q24.33.
Variant type: single nucleotide variant.
Coding change: c.1634A>C on transcript NM_006231.4 (MANE Select); coding-DNA position 1634, A replaced by C.
Protein change: p.Glu545Ala; replaces glutamic acid 545 with alanine.
Molecular consequence: missense variant.
Genome position (GRCh38, 1-based): chr12:132,672,679, T>G on the plus strand (A>C on the coding strand, the complement: POLE is on the minus strand). VCF-style: chr12-132672679-T-G. GRCh37 (hg19) VCF-style: chr12-133249265-T-G.
Other names: short protein forms E545A.
Identifiers: ClinVar variation 1499114 (VCV001499114.8), dbSNP rs2135993136, ClinGen allele CA387356662.
Genomic context (GRCh38, chr12:132,672,679, plus strand): 5'-AAGCACACCATCCTAAACCGGCAAGGGATATCGCTGCGGAAAACCCCAGACTCGAGGGCC[T>G]CCACGTGGCCCCCGACGTAGGTCTCAGAGTCCAGCACGTGTCCGTCGTCCGTCAGCTTAT-3'
Protein context (NP_006222.2, residues 535-555): DSETYVGGHV[Glu545Ala]ALESGVFRSD